The following is an entry in ClinVar:

NM_002641.4(PIGA):c.1222C>T (p.Pro408Ser)

Gene: PIGA (phosphatidylinositol glycan anchor biosynthesis class A; minus strand). Cytogenetic location: Xp22.2.
Variant type: single nucleotide variant.
Coding change: c.1222C>T on transcript NM_002641.4 (MANE Select); coding-DNA position 1222, C replaced by T.
Protein change: p.Pro408Ser; replaces proline 408 with serine.
Molecular consequence: missense variant. On other transcripts: non-coding transcript variant (2).
Genome position (GRCh38, 1-based): chrX:15,321,739, G>A on the plus strand (C>T on the coding strand, the complement: PIGA is on the minus strand). VCF-style: chrX-15321739-G-A. GRCh37 (hg19) VCF-style: chrX-15339861-G-A.
Other names: c.520C>T, p.Pro174Ser (NM_020473.3); short protein forms P174S, P408S.
Identifiers: ClinVar variation 1051686 (VCV001051686.10), dbSNP rs1314103115, ClinGen allele CA412334796.
Genomic context (GRCh38, chrX:15,321,739, plus strand): 5'-AGATGTAGCCTGTTACTGGGCCGCAGTGAGAAATAAGTCTGTCCAGTCGTTTGTCCATTG[G>A]CAACACAGCTTCCACTGATACCCGGTCATATACCTGGAGGGAGAGAAGCCAAGTGTGAGC-3'
Protein context (NP_002632.1, residues 398-418): YDRVSVEAVL[Pro408Ser]MDKRLDRLIS

ClinVar aggregate classification (germline): Uncertain significance (1 of 4 stars; one submission).

Conditions:
Multiple congenital anomalies-hypotonia-seizures syndrome 2 (MCAHS2). Also called: GLYCOSYLPHOSPHATIDYLINOSITOL BIOSYNTHESIS DEFECT 4; EPILEPTIC ENCEPHALOPATHY, EARLY INFANTILE, 20. Identifiers: Orphanet 300496, MedGen C3275508, MONDO:0010466, OMIM 300868.

Allele frequency attached by ClinVar (database versions not stated): gnomAD exomes below 0.00001; TOPMed below 0.00001; gnomAD 0.00002.

Submission:

Labcorp Genetics (formerly Invitae), Labcorp
Classification: Uncertain significance for Multiple congenital anomalies-hypotonia-seizures syndrome 2. Last evaluated: 2023-08-20. Review status: criteria provided, single submitter. Criteria: Invitae Variant Classification Sherloc (09022015). Collection method: clinical testing. Allele origin: germline.
Comment: This sequence change replaces proline, which is neutral and non-polar, with serine, which is neutral and polar, at codon 408 of the PIGA protein (p.Pro408Ser). This variant is not present in population databases (gnomAD no frequency). This variant has not been reported in the literature in individuals affected with PIGA-related conditions. ClinVar contains an entry for this variant (Variation ID: 1051686). Advanced modeling of protein sequence and biophysical properties (such as structural, functional, and spatial information, amino acid conservation, physicochemical variation, residue mobility, and thermodynamic stability) performed at Invitae indicates that this missense variant is not expected to disrupt PIGA protein function. In summary, the available evidence is currently insufficient to determine the role of this variant in disease. Therefore, it has been classified as a Variant of Uncertain Significance.